The following is an entry in ClinVar:

ClinVar aggregate classification (germline): Uncertain significance (1 of 4 stars; one submission).

Submission:

Labcorp Genetics (formerly Invitae), Labcorp
Classification: Uncertain significance. Last evaluated: 2022-01-15. Review status: criteria provided, single submitter. Criteria: Invitae Variant Classification Sherloc (09022015). Collection method: clinical testing. Allele origin: germline.
Comment: This sequence change replaces alanine, which is neutral and non-polar, with threonine, which is neutral and polar, at codon 99 of the USH2A protein (p.Ala99Thr). This variant is not present in population databases (gnomAD no frequency). This variant has not been reported in the literature in individuals affected with USH2A-related conditions. ClinVar contains an entry for this variant (Variation ID: 956683). Algorithms developed to predict the effect of missense changes on protein structure and function output the following: SIFT: "Tolerated"; PolyPhen-2: "Benign"; Align-GVGD: "Class C0". The threonine amino acid residue is found in multiple mammalian species, which suggests that this missense change does not adversely affect protein function. In summary, the available evidence is currently insufficient to determine the role of this variant in disease. Therefore, it has been classified as a Variant of Uncertain Significance.

NM_206933.4(USH2A):c.295G>A (p.Ala99Thr)

Gene: USH2A (usherin; minus strand). Cytogenetic location: 1q41.
Variant type: single nucleotide variant.
Coding change: c.295G>A on transcript NM_206933.4 (MANE Select); coding-DNA position 295, G replaced by A.
Protein change: p.Ala99Thr; replaces alanine 99 with threonine.
Molecular consequence: missense variant.
Genome position (GRCh38, 1-based): chr1:216,422,042, C>T on the plus strand (G>A on the coding strand, the complement: USH2A is on the minus strand). VCF-style: chr1-216422042-C-T. GRCh37 (hg19) VCF-style: chr1-216595384-C-T.
Other names: c.295G>A, p.Ala99Thr (NM_007123.6); short protein forms A99T.
Identifiers: ClinVar variation 956683 (VCV000956683.9), dbSNP rs2039686454, ClinGen allele CA344904276.